The following is an entry in ClinVar:

NM_000520.6(HEXA):c.1337C>T (p.Pro446Leu)

Gene: HEXA (hexosaminidase subunit alpha; minus strand). Cytogenetic location: 15q23.
Variant type: single nucleotide variant.
Coding change: c.1337C>T on transcript NM_000520.6 (MANE Select); coding-DNA position 1337, C replaced by T.
Protein change: p.Pro446Leu; replaces proline 446 with leucine.
Molecular consequence: missense variant. On other transcripts: non-coding transcript variant (1).
Genome position (GRCh38, 1-based): chr15:72,346,319, G>A on the plus strand (C>T on the coding strand, the complement: HEXA is on the minus strand). VCF-style: chr15-72346319-G-A. GRCh37 (hg19) VCF-style: chr15-72638660-G-A.
Other names: c.1337C>T (NM_000520.4); c.1370C>T, p.Pro457Leu (NM_001318825.2); short protein forms P457L, P446L.
Identifiers: ClinVar variation 2030107 (VCV002030107.4), dbSNP rs939203533, ClinGen allele CA272609886.

ClinVar aggregate classification (germline): Uncertain significance. Review status: criteria provided, multiple submitters, no conflicts (2 of 4 stars). 3 submissions from 3 submitters: Uncertain significance (3). Last evaluated 2024-10-21.

Conditions:
Tay-Sachs disease (TSD). Also called: HEXA DEFICIENCY; GM2 gangliosidosis, type 1; Hexosaminidase alpha-subunit deficiency (variant B); Sphingolipidosis, Tay-Sachs; Hexosaminidase A Deficiency; HEXA Disorders. Identifiers: Orphanet 845, MedGen C0039373, MONDO:0010100, OMIM 272800.
Inborn genetic diseases. Identifiers: MedGen C0950123, MeSH D030342.

Allele frequency attached by ClinVar (database versions not stated): gnomAD 0.00001; gnomAD exomes 0.00002; TOPMed 0.00003.
gnomAD v4.1: 23 of 1,613,510 alleles (0.0014%); highest among the groups gnomAD compares: Non-Finnish European, 0.0019%; no homozygotes.

Submissions (3):

Ambry Genetics
Classification: Uncertain significance for Inborn genetic diseases. Last evaluated: 2024-10-21. Review status: criteria provided, single submitter. Criteria: Ambry Variant Classification Scheme 2023. Collection method: clinical testing. Allele origin: germline.

GeneDx
Classification: Uncertain significance. Last evaluated: 2024-10-21. Review status: criteria provided, single submitter. Criteria: GeneDx Variant Classification Process June 2021. Collection method: clinical testing. Allele origin: germline. Affected: yes.
Comment: Not observed at significant frequency in large population cohorts (gnomAD); In silico analysis supports that this missense variant has a deleterious effect on protein structure/function; Has not been previously published as pathogenic or benign to our knowledge

Labcorp Genetics (formerly Invitae), Labcorp
Classification: Uncertain significance for Tay-Sachs disease. Last evaluated: 2022-06-28. Review status: criteria provided, single submitter. Criteria: Invitae Variant Classification Sherloc (09022015). Collection method: clinical testing. Allele origin: germline.
Comment: This sequence change replaces proline, which is neutral and non-polar, with leucine, which is neutral and non-polar, at codon 446 of the HEXA protein (p.Pro446Leu). This variant is present in population databases (no rsID available, gnomAD 0.004%). This variant has not been reported in the literature in individuals affected with HEXA-related conditions. Algorithms developed to predict the effect of missense changes on protein structure and function (SIFT, PolyPhen-2, Align-GVGD) all suggest that this variant is likely to be tolerated. In summary, the available evidence is currently insufficient to determine the role of this variant in disease. Therefore, it has been classified as a Variant of Uncertain Significance.